The following is an entry in ClinVar:

NM_182643.3(DLC1):c.3328-3_3328-2insCACT

Gene: DLC1 (DLC1 Rho GTPase activating protein; minus strand). Cytogenetic location: 8p22.
Variant type: Insertion.
Coding change: c.3328-3_3328-2insCACT on transcript NM_182643.3 (MANE Select); 3 bases into the intron before coding-DNA position 3328 through the canonical splice acceptor site of the intron before coding-DNA position 3328, CACT inserted.
Molecular consequence: intron variant.
Genome position: GRCh38 VCF-style: chr8-13094959-T-TAGTG. GRCh37 (hg19) VCF-style: chr8-12952468-T-TAGTG.
Other names: c.1795-3_1795-2insCACT (NM_001348082.2, NM_001348084.2, NM_001164271.2 and 1 more transcripts); c.3328-3_3328-2insCACT (NM_001348081.2); c.2119-3_2119-2insCACT (NM_001316668.2); c.2017-3_2017-2insCACT (NM_006094.5).
Identifiers: ClinVar variation 2190978 (VCV002190978.4), dbSNP rs762395391, ClinGen allele CA1764925163.

ClinVar aggregate classification (germline): Uncertain significance (1 of 4 stars; one submission).

Submission:

Labcorp Genetics (formerly Invitae), Labcorp
Classification: Uncertain significance. Last evaluated: 2023-06-13. Review status: criteria provided, single submitter. Criteria: Invitae Variant Classification Sherloc (09022015). Collection method: clinical testing. Allele origin: germline.
Comment: In summary, the available evidence is currently insufficient to determine the role of this variant in disease. Therefore, it has been classified as a Variant of Uncertain Significance. Variants that disrupt the consensus splice site are a relatively common cause of aberrant splicing (PMID: 17576681, 9536098). Algorithms developed to predict the effect of sequence changes on RNA splicing suggest that this variant is not likely to affect RNA splicing. ClinVar contains an entry for this variant (Variation ID: 2190978). This variant has not been reported in the literature in individuals affected with DLC1-related conditions. This variant is not present in population databases (gnomAD no frequency). This sequence change falls in intron 11 of the DLC1 gene. It does not directly change the encoded amino acid sequence of the DLC1 protein. It affects a nucleotide within the consensus splice site.

Literature cited by the submitters: PubMed 17576681; PubMed 9536098.